The following continues an entry in ClinVar:

NM_005633.4(SOS1):c.1655G>A (p.Arg552Lys)

Gene: SOS1. ClinVar aggregate classification (germline): Pathogenic. Pathogenic (1). ClinVar aggregate classification (somatic clinical impact): Tier II - Potential.

Submissions 8 to 20 of 20:

Institute for Genomic Medicine (IGM) Clinical Laboratory, Nationwide Children's Hospital
Classification: Tier II - Potential for Embryonal rhabdomyosarcoma. Assertion type: diagnostic. Clinical significance: supports diagnosis. Last evaluated: 2022-11-15. Review status: criteria provided, single submitter. Criteria: AMP/ASCO/CAP Guidelines, 2017. Collection method: clinical testing. Allele origin: somatic. Affected: yes.
Comment: Variant has Tier II (potential) clinical significance as a diagnostic inclusion criterion in embryonal rhabdomyosarcoma, based on the following evidence: 1) Documented in one or more cancer databases (e.g., St. Jude Pecan, COSMIC, CIViC, OncoKB). 2) Information in the literature supports potential biologic effect of variant (PMIDs: 21784453, 20133692). 3) Diagnostic significance based on multiple small studies (Evidence Level C; PMIDs: 20461756, 20607846, 19953625).

Victorian Clinical Genetics Services, Murdoch Childrens Research Institute
Classification: Pathogenic for Noonan syndrome 4. Last evaluated: 2022-06-24. Review status: criteria provided, single submitter. Criteria: ACMG Guidelines, 2015. Collection method: clinical testing. Allele origin: germline. Inheritance: Autosomal dominant inheritance. Affected: yes. Not counted in ClinVar's aggregate classification.
Comment: Based on the classification scheme VCGS_Germline_v1.3.4, this variant is classified as Pathogenic. Following criteria are met: 0101 - Gain of function is a known mechanism of disease in this gene and is associated with Noonan syndrome 4 (MIM#610733). (I) 0107 - This gene is associated with autosomal dominant disease. (I) 0115 - Variants in this gene are known to have variable expressivity. Due to ascertainment bias and variable expressivity with frequent subtlety of features, the penetrance of Noonan syndrome is difficult to determine; affected adults are often diagnosed only after the diagnosis of a more severely affected child (GeneReviews). (I) 0200 - Variant is predicted to result in a missense amino acid change from arginine to lysine. (I) 0251 - This variant is heterozygous. (I) 0301 - Variant is absent from gnomAD (both v2 and v3). (SP) 0309 - Three alternative amino acid changes at the same position have been observed in gnomAD (v2 and v3) (same allele frequency in all: 1 heterozygote, 0 homozygote). (I) 0501 - Missense variant consistently predicted to be damaging by multiple in silico tools and very highly conserved with a minor amino acid change. (SP) 0604 - Variant is not located in an established domain, motif, hotspot or informative constraint region. (I) 0701 - Multiple missense variants comparable to the one identified in this case have very strong previous evidence for pathogenicity. Multiple missense changes at this amino acid have been reported in ClinVar as pathogenic. (SP) 0801 - This variant has strong previous evidence of pathogenicity in unrelated individuals. This variant has been reported multiple times as pathogenic in individuals with Noonan syndrome (ClinVar, DECIPHER, PMID: 31292302). (SP) Legend: (SP) - Supporting pathogenic, (I) - Information, (SB) - Supporting benign

Equipe Genetique des Anomalies du Developpement, Université de Bourgogne
Classification: Pathogenic for Noonan syndrome 4. Last evaluated: 2021-04-26. Review status: criteria provided, single submitter. Criteria: ACMG Guidelines, 2015. Collection method: clinical testing. Allele origin: de novo. Affected: yes. Not counted in ClinVar's aggregate classification.

Genomic Research Center, Shahid Beheshti University of Medical Sciences
Classification: Pathogenic for Noonan syndrome 4. Last evaluated: 2020-05-03. Review status: criteria provided, single submitter. Criteria: ACMG Guidelines, 2015. Collection method: clinical testing. Allele origin: unknown. Affected: yes. Not counted in ClinVar's aggregate classification.

Baylor Genetics
Classification: Pathogenic for Fibromatosis, gingival, 1. Last evaluated: 2018-04-17. Review status: criteria provided, single submitter. Criteria: ACMG Guidelines, 2015. Collection method: clinical testing. Allele origin: de novo. Affected: yes. Not counted in ClinVar's aggregate classification.
Comment: This variant was determined to be pathogenic according to ACMG Guidelines, 2015 [PMID:25741868]. This variant has been previously reported as a de novo finding in patients with Noonan syndrome [PMID 17143282, 26686981]

Women's Health and Genetics/Laboratory Corporation of America, LabCorp
Classification: Pathogenic for Noonan syndrome 3. Last evaluated: 2017-02-20. Review status: criteria provided, single submitter. Criteria: LabCorp Variant Classification Summary - May 2015. Collection method: clinical testing. Allele origin: germline. Not counted in ClinVar's aggregate classification.
Comment: Variant summary: The SOS1 c.1655G>A (p.Arg552Lys) variant lies in the helical linker between the PH and Rem domains and is predicted to interact directly with the side chains of Asp140 and Asp169 in the histone domain of SOS1 (ref. 16). Disruption of this interaction could affect the relative orientation of the DH-PH unit and the Rem domain (Tartaglia_207). This change involves the alteration of a conserved nucleotide with 2/4 in silico tools (SNPs&GO not captured due to low reliability index) predicting a deleterious outcome, although these predictions have yet to be functionally assessed. The variant of interest was not observed in controls (ExAC, 1000 Gs, or ESP), but multiple publications cite the variant as causative in affected individuals including at least one de novo event and a mother-child affected duo. In addition, Arg552 appears to be a mutational hot-spot as other alterations of the same codon, such as p.Arg552Gly and p.Arg552Ser were identified as causative in multiple NS pts and were shown to increase in the basal level of active RAS and prolonged RAS activation after EGF stimulation in functional studies (Tartaglia_ 2007). Lastly, multiple clinical diagnostic laboratories classified this variant as pathogenic. Taken together, this variant is classified as pathogenic.

Eurofins Ntd Llc (ga)
Classification: Pathogenic. Last evaluated: 2015-10-14. Review status: criteria provided, single submitter. Criteria: EGL Classification Definitions 2015. Collection method: clinical testing. Allele origin: germline. Observed: 1 variant allele, 1 heterozygote. Not counted in ClinVar's aggregate classification.

Laboratory for Molecular Medicine, Mass General Brigham Personalized Medicine
Classification: Pathogenic for Noonan syndrome. Last evaluated: 2011-09-08. Review status: criteria provided, single submitter. Criteria: LMM Criteria. Collection method: clinical testing. Allele origin: germline. Observed: 6 variant alleles. Not counted in ClinVar's aggregate classification.
Comment: The Arg552Lys variant in SOS1 has been reported in at least six individuals with clinical features of Noonan syndrome, four of whom were reported to have occurr ed de novo (Tartaglia 2007, Zenker 2007, Lepri 2011). In addition this variant was absent from 600 control chromosomes (Lepri 2011). Furthermore, different ami no acid changes at this location (Arg552Gly, Arg552Thr and Arg552Ser) have also been associated with clinical features of Noonan syndrome (Roberts 2007, Zenker 2007, Tartaglia 2007, Beneteau 2009, Lepri 2011). Protein modeling suggests that amino acid residue 552 plays an important role in structural formation of the p rotein (Lepri 2011). Therefore, it is highly likely that this variant is pathog enic. The presence of a heterozygous pathogenic variant in SOS1 is consistent wi th a diagnosis of Noonan syndrome, but this information should be reconciled wit h the complete clinical history of this individual.

Institute for Genomic Statistics and Bioinformatics, University Hospital Bonn
Classification: Pathogenic for Noonan syndrome 1. Review status: criteria provided, single submitter. Criteria: ACMG Guidelines, 2015. Collection method: clinical testing. Allele origin: unknown. Affected: yes. Observed: 1 variant allele. Not counted in ClinVar's aggregate classification.

ARUP Laboratories, Molecular Genetics and Genomics, ARUP Laboratories
Classification: Pathogenic for Noonan syndrome. Last evaluated: 2012-05-25. Review status: no assertion criteria provided. Collection method: clinical testing. Allele origin: germline. Affected: yes. Observed: 1 variant allele. Not counted in ClinVar's aggregate classification.

Joint Genome Diagnostic Labs from Nijmegen and Maastricht, Radboudumc and MUMC+
Classification: Pathogenic. Review status: no assertion criteria provided. Collection method: clinical testing. Allele origin: germline. Affected: yes. Study: VKGL Data-share Consensus. Not counted in ClinVar's aggregate classification.

Laboratory of Diagnostic Genome Analysis, Leiden University Medical Center (LUMC)
Classification: Pathogenic. Review status: no assertion criteria provided. Collection method: clinical testing. Allele origin: germline. Affected: yes. Study: VKGL Data-share Consensus. Not counted in ClinVar's aggregate classification.

Molecular Genetics, Centre for Human Genetics
Classification: Pathogenic for Noonan syndrome 1. Review status: no assertion criteria provided. Collection method: clinical testing. Allele origin: de novo. Inheritance: Autosomal dominant inheritance. Affected: yes. Observed: 1 variant allele. Not counted in ClinVar's aggregate classification.

Literature cited by the submitters: PubMed 28378436 (cited by 3 submitters); PubMed 26918529 (cited by 3 submitters); PubMed 21274610 (cited by ClinGen RASopathy Variant Curation Expert Panel and 3billion); PubMed 30266093 (cited by 4 submitters); PubMed 25337068 (cited by 3 submitters); PubMed 21784453 (cited by 5 submitters); PubMed 29037749 (cited by 3 submitters); PubMed 26214590 (cited by ClinGen RASopathy Variant Curation Expert Panel); PubMed 26686981 (cited by 5 submitters); PubMed 21387466 (cited by 6 submitters); PubMed 27236105 (cited by ClinGen RASopathy Variant Curation Expert Panel); PubMed 17586837 (cited by 4 submitters); PubMed 17143282 (cited by 6 submitters); PubMed 22420426 (cited by 3billion and Pittsburgh Clinical Genomics Laboratory, University of Pittsburgh Medical Center); PubMed 19020799 (cited by Labcorp Genetics (formerly Invitae), Labcorp); PubMed 22190897 (cited by Labcorp Genetics (formerly Invitae), Labcorp); PubMed 24037001 (cited by Labcorp Genetics (formerly Invitae), Labcorp); PubMed 38572385 (cited by Pittsburgh Clinical Genomics Laboratory, University of Pittsburgh Medical Center); PubMed 35390071 (cited by Pittsburgh Clinical Genomics Laboratory, University of Pittsburgh Medical Center); PubMed 33128510 (cited by Pittsburgh Clinical Genomics Laboratory, University of Pittsburgh Medical Center); PubMed 31573083 (cited by Pittsburgh Clinical Genomics Laboratory, University of Pittsburgh Medical Center); PubMed 20133692 (cited by Institute for Genomic Medicine (IGM) Clinical Laboratory, Nationwide Children's Hospital); PubMed 20461756 (cited by Institute for Genomic Medicine (IGM) Clinical Laboratory, Nationwide Children's Hospital); PubMed 20607846 (cited by Institute for Genomic Medicine (IGM) Clinical Laboratory, Nationwide Children's Hospital); PubMed 19953625 (cited by Institute for Genomic Medicine (IGM) Clinical Laboratory, Nationwide Children's Hospital); PubMed 31292302 (cited by Victorian Clinical Genetics Services, Murdoch Childrens Research Institute); PubMed 29907801 (cited by Equipe Genetique des Anomalies du Developpement, Université de Bourgogne); PubMed 23321623 (cited by Equipe Genetique des Anomalies du Developpement, Université de Bourgogne); PubMed 19352411 (cited by Laboratory for Molecular Medicine, Mass General Brigham Personalized Medicine); PubMed 17143285 (cited by Laboratory for Molecular Medicine, Mass General Brigham Personalized Medicine).